The following is an entry in ClinVar:

NM_000155.4(GALT):c.707G>T (p.Ser236Ile)

Gene: GALT (galactose-1-phosphate uridylyltransferase; plus strand). Cytogenetic location: 9p13.3.
Variant type: single nucleotide variant.
Coding change: c.707G>T on transcript NM_000155.4 (MANE Select); coding-DNA position 707, G replaced by T.
Protein change: p.Ser236Ile; replaces serine 236 with isoleucine.
Molecular consequence: missense variant.
Genome position (GRCh38, 1-based): chr9:34,648,781, G>T. VCF-style: chr9-34648781-G-T. GRCh37 (hg19) VCF-style: chr9-34648778-G-T.
Other names: c.380G>T, p.Ser127Ile (NM_001258332.2); short protein forms S127I, S236I.
Identifiers: ClinVar variation 4068313 (VCV004068313.2).

ClinVar aggregate classification (germline): Likely pathogenic (1 of 4 stars; one submission).

Conditions:
Galactosemia. Also called: Galactose intolerance. Identifiers: Orphanet 352, MedGen C0016952, MONDO:0018116, HP:0004919. Disease mechanism: loss of function.

Submission:

Natera, Inc.
Classification: Likely pathogenic for Galactosemia. Last evaluated: 2025-01-31. Review status: criteria provided, single submitter. Criteria: Natera Variant Classification Schema (03/2026). Collection method: clinical testing. Allele origin: germline.
Comment: The c.707G>T variant in GALT is a missense variant predicted to cause substitution of serine to isoleucine at amino acid 236. This variant is rare in the general population with a frequency below the threshold expected for the associated phenotype(s). This variant has been observed in one or more individuals affected with the associated recessive disease, as either homozygous or compound heterozygous with a second variant (PMID: 36399011, 36468010). This variant has been identified in one or more affected individuals with a phenotype highly consistent with the associated gene (PMID:36399011). Computational prediction algorithms indicate this variant is likely to affect gene or protein function. Given the available evidence, this variant is classified as Likely Pathogenic.

Literature cited by the submitters: PubMed 36399011; PubMed 36468010.